The following is an entry in ClinVar:

ClinVar aggregate classification (germline): Uncertain significance. Review status: criteria provided, single submitter (1 of 4 stars). 2 submissions from 2 submitters: Uncertain significance (1). 1 of the submissions does not count toward it. Last evaluated 2024-02-05.

Conditions:
Cardiomyopathy (CMYO). Also called: Cardiomyopathies. Identifiers: Orphanet 167848, MedGen C0878544, MONDO:0004994, HP:0001638. Inheritance: Various modes of inheritance.
MYH7-related disorder. Also called: MYH7-related condition; MYH7-related disease; MYH7-related disorders.

Submissions (2):

All of Us Research Program, National Institutes of Health
Classification: Uncertain significance for Cardiomyopathy. Last evaluated: 2024-02-05. Review status: criteria provided, single submitter. Criteria: ACMG Guidelines, 2015. Collection method: clinical testing. Allele origin: germline. Inheritance: Autosomal dominant inheritance. Observed: 1 variant allele, 1 heterozygote.
Comment: This missense variant replaces glutamine with arginine at codon 1830 of the MYH7 protein. Computational prediction tool indicates that this variant may have an uncertain impact on protein structure and function. To our knowledge, functional studies have not been reported for this variant. This variant has not been reported in individuals affected with MYH7-related disorders in the literature. This variant has not been identified in the general population by the Genome Aggregation Database (gnomAD). The available evidence is insufficient to determine the role of this variant in disease conclusively. Therefore, this variant is classified as a Variant of Uncertain Significance.

This study involves interpretation of variants in research participants for the purpose of population health screening. Participant phenotype was not available at the time of variant classification. Additional details can be found in publication PMID: 35346344, PMCID: PMC8962531

PreventionGenetics, part of Exact Sciences
Classification: Uncertain significance for MYH7-related condition. Last evaluated: 2024-07-18. Review status: no assertion criteria provided. Collection method: clinical testing. Allele origin: germline. Not counted in ClinVar's aggregate classification.
Comment: The MYH7 c.5489A>G variant is predicted to result in the amino acid substitution p.Gln1830Arg. To our knowledge, this variant has not been reported in individuals with MYH7-related disorders in the literature or in a large population database, indicating this variant is rare. At this time, the clinical significance of this variant is uncertain due to the absence of conclusive functional and genetic evidence.

NM_000257.4(MYH7):c.5489A>G (p.Gln1830Arg)

Gene: MYH7 (myosin heavy chain 7; minus strand). Cytogenetic location: 14q11.2.
Variant type: single nucleotide variant.
Coding change: c.5489A>G on transcript NM_000257.4 (MANE Select); coding-DNA position 5489, A replaced by G.
Protein change: p.Gln1830Arg; replaces glutamine 1830 with arginine.
Molecular consequence: missense variant.
Genome position (GRCh38, 1-based): chr14:23,415,065, T>C on the plus strand (A>G on the coding strand, the complement: MYH7 is on the minus strand). VCF-style: chr14-23415065-T-C. GRCh37 (hg19) VCF-style: chr14-23884274-T-C.
Other names: c.5489A>G (NM_000257.3); c.5489A>G, p.Gln1830Arg (NM_001407004.1); short protein forms Q1830R.
Identifiers: ClinVar variation 3075401 (VCV003075401.2), dbSNP rs113137192, ClinGen allele CA257808876.